The following is an entry in ClinVar:

NM_015909.4(NBAS):c.4885A>C (p.Thr1629Pro)

Gene: NBAS (NBAS subunit of NRZ tethering complex; minus strand). Cytogenetic location: 2p24.3.
Variant type: single nucleotide variant.
Coding change: c.4885A>C on transcript NM_015909.4 (MANE Select); coding-DNA position 4885, A replaced by C.
Protein change: p.Thr1629Pro; replaces threonine 1629 with proline.
Molecular consequence: missense variant. On other transcripts: non-coding transcript variant (1).
Genome position (GRCh38, 1-based): chr2:15,292,679, T>G on the plus strand (A>C on the coding strand, the complement: NBAS is on the minus strand). VCF-style: chr2-15292679-T-G. GRCh37 (hg19) VCF-style: chr2-15432803-T-G.
Other names: c.4885A>C (NM_015909.2); short protein forms T1629P.
Identifiers: ClinVar variation 1360102 (VCV001360102.27), dbSNP rs373419443, ClinGen allele CA1535467.

ClinVar aggregate classification (germline): Conflicting classifications of pathogenicity. Review status: criteria provided, conflicting classifications (1 of 4 stars). 3 submissions from 3 submitters: Uncertain significance (2); Likely benign (1). Last evaluated 2025-08-16.

Conditions:
Inborn genetic diseases. Identifiers: MedGen C0950123, MeSH D030342.

Allele frequency attached by ClinVar (database versions not stated): gnomAD 0.00002; ESP Exome Variant Server 0.00008; TOPMed 0.00008.
gnomAD v4.1: 117 of 1,614,036 alleles (0.0072%); highest among the groups gnomAD compares: Non-Finnish European, 0.0095%; no homozygotes.

Submissions (3):

Labcorp Genetics (formerly Invitae), Labcorp
Classification: Likely benign. Last evaluated: 2025-08-16. Review status: criteria provided, single submitter. Criteria: Invitae Variant Classification Sherloc (09022015). Collection method: clinical testing. Allele origin: germline.

Ambry Genetics
Classification: Uncertain significance for Inborn genetic diseases. Last evaluated: 2025-01-04. Review status: criteria provided, single submitter. Criteria: Ambry Variant Classification Scheme 2023. Collection method: clinical testing. Allele origin: germline.

CeGaT Center for Human Genetics Tuebingen
Classification: Uncertain significance. Last evaluated: 2024-06-01. Review status: criteria provided, single submitter. Criteria: CeGaT Center For Human Genetics Tuebingen Variant Classification Criteria Version 2. Collection method: clinical testing. Allele origin: germline. Affected: yes. Observed: 1 variant allele.
Comment: NBAS: PM2:Supporting, BP4